The following is an entry in ClinVar:

ClinVar aggregate classification (germline): Uncertain significance. Review status: criteria provided, multiple submitters, no conflicts (2 of 4 stars). 2 submissions from 2 submitters: Uncertain significance (2). Last evaluated 2024-03-25.

Submissions (2):

GeneDx
Classification: Uncertain significance. Last evaluated: 2024-03-25. Review status: criteria provided, single submitter. Criteria: GeneDx Variant Classification Process June 2021. Collection method: clinical testing. Allele origin: germline. Affected: yes.
Comment: Not observed at significant frequency in large population cohorts (gnomAD); In silico analysis supports that this missense variant has a deleterious effect on protein structure/function; Has not been previously published as pathogenic or benign to our knowledge

Labcorp Genetics (formerly Invitae), Labcorp
Classification: Uncertain significance. Last evaluated: 2023-12-01. Review status: criteria provided, single submitter. Criteria: Invitae Variant Classification Sherloc (09022015). Collection method: clinical testing. Allele origin: germline.
Comment: This sequence change replaces leucine, which is neutral and non-polar, with proline, which is neutral and non-polar, at codon 284 of the PDE4D protein (p.Leu284Pro). This variant is not present in population databases (gnomAD no frequency). This variant has not been reported in the literature in individuals affected with PDE4D-related conditions. Advanced modeling of protein sequence and biophysical properties (such as structural, functional, and spatial information, amino acid conservation, physicochemical variation, residue mobility, and thermodynamic stability) performed at Invitae indicates that this missense variant is expected to disrupt PDE4D protein function with a positive predictive value of 80%. In summary, the available evidence is currently insufficient to determine the role of this variant in disease. Therefore, it has been classified as a Variant of Uncertain Significance.

NM_001104631.2(PDE4D):c.851T>C (p.Leu284Pro)

Gene: PDE4D (phosphodiesterase 4D; minus strand). Cytogenetic location: 5q11.2.
Variant type: single nucleotide variant.
Coding change: c.851T>C on transcript NM_001104631.2 (MANE Select); coding-DNA position 851, T replaced by C.
Protein change: p.Leu284Pro; replaces leucine 284 with proline.
Molecular consequence: missense variant. On other transcripts: 5 prime UTR variant (2).
Genome position (GRCh38, 1-based): chr5:59,038,929, A>G on the plus strand (T>C on the coding strand, the complement: PDE4D is on the minus strand). VCF-style: chr5-59038929-A-G. GRCh37 (hg19) VCF-style: chr5-58334756-A-G.
Other names: c.851T>C (NM_001104631.1); c.668T>C, p.Leu223Pro (NM_001165899.2, NM_001364599.1); c.659T>C, p.Leu220Pro (NM_001197218.2); c.485T>C, p.Leu162Pro (NM_001197219.2); c.461T>C, p.Leu154Pro (NM_001197220.2); c.-56T>C (NM_001197221.2, NM_001364603.1); c.179T>C, p.Leu60Pro (NM_001197222.2); c.638T>C, p.Leu213Pro (NM_001349241.2); and 3 more; short protein forms L28P, L148P, L174P, L223P, L154P, L284P, L60P, L162P.
Identifiers: ClinVar variation 2871122 (VCV002871122.4), dbSNP rs2480350490, ClinGen allele CA359818366.